The following is an entry in ClinVar:

NM_001369.3(DNAH5):c.12374C>T (p.Ala4125Val)

Gene: DNAH5 (dynein axonemal heavy chain 5; minus strand). Cytogenetic location: 5p15.2.
Variant type: single nucleotide variant.
Coding change: c.12374C>T on transcript NM_001369.3 (MANE Select); coding-DNA position 12374, C replaced by T.
Protein change: p.Ala4125Val; replaces alanine 4125 with valine.
Molecular consequence: missense variant.
Genome position (GRCh38, 1-based): chr5:13,719,007, G>A on the plus strand (C>T on the coding strand, the complement: DNAH5 is on the minus strand). VCF-style: chr5-13719007-G-A. GRCh37 (hg19) VCF-style: chr5-13719116-G-A.
Other names: short protein forms A4125V.
Identifiers: ClinVar variation 1363493 (VCV001363493.3), dbSNP rs370757783, ClinGen allele CA3201660.

ClinVar aggregate classification (germline): Uncertain significance (1 of 4 stars; one submission).

Conditions:
Primary ciliary dyskinesia. Also called: Ciliary dyskinesia. Identifiers: Orphanet 244, MedGen C0008780, MONDO:0016575, HP:0012265.

Allele frequency attached by ClinVar (database versions not stated): ExAC 0.00002; gnomAD exomes 0.00002; gnomAD 0.00003; TOPMed 0.00003; ESP Exome Variant Server 0.00008.
gnomAD v4.1: 27 of 1,613,744 alleles (0.0017%); highest among the groups gnomAD compares: South Asian, 0.0022%; no homozygotes.

Submission:

Labcorp Genetics (formerly Invitae), Labcorp
Classification: Uncertain significance for Primary ciliary dyskinesia. Last evaluated: 2022-08-04. Review status: criteria provided, single submitter. Criteria: Invitae Variant Classification Sherloc (09022015). Collection method: clinical testing. Allele origin: germline.
Comment: This sequence change replaces alanine, which is neutral and non-polar, with valine, which is neutral and non-polar, at codon 4125 of the DNAH5 protein (p.Ala4125Val). This variant is present in population databases (rs370757783, gnomAD 0.004%). This variant has not been reported in the literature in individuals affected with DNAH5-related conditions. ClinVar contains an entry for this variant (Variation ID: 1363493). Advanced modeling of protein sequence and biophysical properties (such as structural, functional, and spatial information, amino acid conservation, physicochemical variation, residue mobility, and thermodynamic stability) performed at Invitae indicates that this missense variant is not expected to disrupt DNAH5 protein function. In summary, the available evidence is currently insufficient to determine the role of this variant in disease. Therefore, it has been classified as a Variant of Uncertain Significance.